The following is an entry in ClinVar:

NM_033004.4(NLRP1):c.418C>A (p.Leu140Met)

Gene: NLRP1 (NLR family pyrin domain containing 1; minus strand). Cytogenetic location: 17p13.2.
Variant type: single nucleotide variant.
Coding change: c.418C>A on transcript NM_033004.4 (MANE Select); coding-DNA position 418, C replaced by A.
Protein change: p.Leu140Met; replaces leucine 140 with methionine.
Molecular consequence: missense variant.
Genome position (GRCh38, 1-based): chr17:5,582,700, G>T on the plus strand (C>A on the coding strand, the complement: NLRP1 is on the minus strand). VCF-style: chr17-5582700-G-T. GRCh37 (hg19) VCF-style: chr17-5486020-G-T.
Other names: c.418C>A, p.Leu140Met (NM_001033053.3, NM_014922.5, NM_033006.4 and 1 more transcripts); short protein forms L140M.
Identifiers: ClinVar variation 1411487 (VCV001411487.6), dbSNP rs113651705, ClinGen allele CA8327584.

ClinVar aggregate classification (germline): Uncertain significance (1 of 4 stars; one submission).

Allele frequency attached by ClinVar (database versions not stated): TOPMed below 0.00001; gnomAD 0.00001; gnomAD exomes 0.00001; ExAC 0.00002.
gnomAD v4.1: 43 of 1,614,016 alleles (0.0027%); highest among the groups gnomAD compares: Non-Finnish European, 0.0031%; no homozygotes.

Submission:

Labcorp Genetics (formerly Invitae), Labcorp
Classification: Uncertain significance. Last evaluated: 2025-09-24. Review status: criteria provided, single submitter. Criteria: Invitae Variant Classification Sherloc (09022015). Collection method: clinical testing. Allele origin: germline.
Comment: This sequence change replaces leucine, which is neutral and non-polar, with methionine, which is neutral and non-polar, at codon 140 of the NLRP1 protein (p.Leu140Met). This variant is present in population databases (rs113651705, gnomAD 0.002%). This variant has not been reported in the literature in individuals affected with NLRP1-related conditions. ClinVar contains an entry for this variant (Variation ID: 1411487). An algorithm developed to predict the effect of missense changes on protein structure and function (PolyPhen-2) suggests that this variant is likely to be tolerated. In summary, the available evidence is currently insufficient to determine the role of this variant in disease. Therefore, it has been classified as a Variant of Uncertain Significance.